The following is an entry in ClinVar:

NM_022464.5(SIL1):c.1237C>T (p.Arg413Cys)

Gene: SIL1 (SIL1 nucleotide exchange factor; minus strand). Cytogenetic location: 5q31.2.
Variant type: single nucleotide variant.
Coding change: c.1237C>T on transcript NM_022464.5 (MANE Select); coding-DNA position 1237, C replaced by T.
Protein change: p.Arg413Cys; replaces arginine 413 with cysteine.
Molecular consequence: missense variant.
Genome position (GRCh38, 1-based): chr5:138,947,266, G>A on the plus strand (C>T on the coding strand, the complement: SIL1 is on the minus strand). VCF-style: chr5-138947266-G-A. GRCh37 (hg19) VCF-style: chr5-138282955-G-A.
Other names: c.1237C>T, p.Arg413Cys (NM_001037633.2); short protein forms R413C.
Identifiers: ClinVar variation 2048439 (VCV002048439.5), dbSNP rs375241132, ClinGen allele CA3432340.
Genomic context (GRCh38, chr5:138,947,266, plus strand): 5'-CCAGCACCTGGTACTCAGCCTGCAGGCTGGCCAGTGTCCTGCCGAGCTGGGGGTCCTGAC[G>A]GTAGCGGTCCCGGCAGGTGGTCAGGAGGACGCCCAGTGTCTGCAGCACCTTCTCACGGGC-3'
Protein context (NP_071909.1, residues 403-423): VLLTTCRDRY[Arg413Cys]QDPQLGRTLA

ClinVar aggregate classification (germline): Uncertain significance. Review status: criteria provided, multiple submitters, no conflicts (2 of 4 stars). 3 submissions from 3 submitters: Uncertain significance (3). Last evaluated 2022-09-29.

Conditions:
Marinesco-Sjögren syndrome (MSS). Also called: Marinesco-Sjogren Syndrome; Marinesco-SjÃ¶gren syndrome. Identifiers: Orphanet 559, MedGen C0024814, MONDO:0009567, OMIM 248800.
Inborn genetic diseases. Identifiers: MedGen C0950123, MeSH D030342.

Allele frequency attached by ClinVar (database versions not stated): ExAC 0.00001; gnomAD 0.00003; gnomAD exomes 0.00003; TOPMed 0.00004; ESP Exome Variant Server 0.00015.
gnomAD v4.1: 44 of 1,613,432 alleles (0.0027%); highest among the groups gnomAD compares: Non-Finnish European, 0.0036%; no homozygotes.

Submissions (3):

Ambry Genetics
Classification: Uncertain significance for Inborn genetic diseases. Last evaluated: 2022-09-29. Review status: criteria provided, single submitter. Criteria: Ambry Variant Classification Scheme 2023. Collection method: clinical testing. Allele origin: germline.

Labcorp Genetics (formerly Invitae), Labcorp
Classification: Uncertain significance for Marinesco-Sjögren syndrome. Last evaluated: 2022-03-15. Review status: criteria provided, single submitter. Criteria: Invitae Variant Classification Sherloc (09022015). Collection method: clinical testing. Allele origin: germline.
Comment: This sequence change replaces arginine, which is basic and polar, with cysteine, which is neutral and slightly polar, at codon 413 of the SIL1 protein (p.Arg413Cys). This variant is present in population databases (rs375241132, gnomAD 0.004%). This variant has not been reported in the literature in individuals affected with SIL1-related conditions. Algorithms developed to predict the effect of missense changes on protein structure and function are either unavailable or do not agree on the potential impact of this missense change (SIFT: "Deleterious"; PolyPhen-2: "Benign"; Align-GVGD: "Class C0"). In summary, the available evidence is currently insufficient to determine the role of this variant in disease. Therefore, it has been classified as a Variant of Uncertain Significance.

Revvity Omics, Revvity
Classification: Uncertain significance for Marinesco-Sjögren syndrome. Last evaluated: 2022-01-03. Review status: criteria provided, single submitter. Criteria: ACMG Guidelines, 2015. Collection method: clinical testing. Allele origin: germline.